The following is an entry in ClinVar:

ClinVar aggregate classification (germline): Uncertain significance. Review status: criteria provided, multiple submitters, no conflicts (2 of 4 stars). 4 submissions from 4 submitters: Uncertain significance (4). Last evaluated 2025-11-12.

Conditions:
Inborn genetic diseases. Identifiers: MedGen C0950123, MeSH D030342.
Developmental and epileptic encephalopathy, 18 (DEE18). Also called: Early infantile epileptic encephalopathy 18. Identifiers: Orphanet 369894, MedGen C3809624, MONDO:0014201, OMIM 615476.

Allele frequency attached by ClinVar (database versions not stated): 1000 Genomes Project 30x 0.00016; gnomAD 0.00001 and 0.00002; TOPMed 0.00002.
gnomAD v4.1: 8 of 1,614,066 alleles (0.0005%); highest among the groups gnomAD compares: African/African-American, 0.004%; no homozygotes.

Submissions (4):

GeneDx
Classification: Uncertain significance. Last evaluated: 2025-11-12. Review status: criteria provided, single submitter. Criteria: GeneDx Variant Classification Process June 2021. Collection method: clinical testing. Allele origin: germline. Affected: yes.
Comment: Not observed at significant frequency in large population cohorts (gnomAD); In silico analysis suggests that this missense variant does not alter protein structure/function; Has not been previously published as pathogenic or benign to our knowledge

Genome-Nilou Lab
Classification: Uncertain significance for Developmental and epileptic encephalopathy, 18. Last evaluated: 2023-04-11. Review status: criteria provided, single submitter. Criteria: ACMG Guidelines, 2015. Collection method: clinical testing. Allele origin: germline. Affected: no.

Ambry Genetics
Classification: Uncertain significance for Inborn genetic diseases. Last evaluated: 2021-10-27. Review status: criteria provided, single submitter. Criteria: Ambry Variant Classification Scheme 2023. Collection method: clinical testing. Allele origin: germline.

Labcorp Genetics (formerly Invitae), Labcorp
Classification: Uncertain significance. Last evaluated: 2021-08-31. Review status: criteria provided, single submitter. Criteria: Invitae Variant Classification Sherloc (09022015). Collection method: clinical testing. Allele origin: germline.
Comment: This sequence change replaces arginine with histidine at codon 2820 of the SZT2 protein (p.Arg2820His). The arginine residue is highly conserved and there is a small physicochemical difference between arginine and histidine. This variant is not present in population databases (ExAC no frequency). This variant has not been reported in the literature in individuals affected with SZT2-related conditions. Algorithms developed to predict the effect of missense changes on protein structure and function are either unavailable or do not agree on the potential impact of this missense change (SIFT: "Tolerated"; PolyPhen-2: "Probably Damaging"; Align-GVGD: "Class C0"). In summary, the available evidence is currently insufficient to determine the role of this variant in disease. Therefore, it has been classified as a Variant of Uncertain Significance.

NM_001365999.1(SZT2):c.8630G>A (p.Arg2877His)

Gene: SZT2 (SZT2 subunit of KICSTOR complex; plus strand). Cytogenetic location: 1p34.2.
Variant type: single nucleotide variant.
Coding change: c.8630G>A on transcript NM_001365999.1 (MANE Select); coding-DNA position 8630, G replaced by A.
Protein change: p.Arg2877His; replaces arginine 2877 with histidine.
Molecular consequence: missense variant.
Genome position (GRCh38, 1-based): chr1:43,443,601, G>A. VCF-style: chr1-43443601-G-A. GRCh37 (hg19) VCF-style: chr1-43909272-G-A.
Other names: c.8459G>A, p.Arg2820His (NM_015284.4); c.8459G>A (NM_015284.3); short protein forms R2820H, R2877H.
Identifiers: ClinVar variation 1043446 (VCV001043446.9), dbSNP rs923505488, ClinGen allele CA21649054.
Genomic context (GRCh38, chr1:43,443,601, plus strand): 5'-TCCCCAGCAGGATGGTTGACAGTGGGGAGAGTCTTCCTTGATCTTTACTCTCATAGCGGC[G>A]CCATCGCCCTGAGTCAGGGTCTGGGAGCCGAGAGGCCCCCACAAGCTGTGAATCCTTGGA-3'
Protein context (NP_001352928.1, residues 2867-2887): ETSGPPDGQR[Arg2877His]HRPESGSGSR